The following is an entry in ClinVar:

ClinVar aggregate classification (germline): Uncertain significance. Review status: criteria provided, single submitter (1 of 4 stars). 2 submissions from 2 submitters: Uncertain significance (1). 1 of the submissions does not count toward it. Last evaluated 2023-08-10.

Conditions:
Non-lesional parietal lobe epilepsy.
Developmental and epileptic encephalopathy, 9 (DEE9). Also called: EPILEPSY, FEMALE-RESTRICTED, WITH MENTAL RETARDATION; PCDH19-Related X-Linked Female-Limited Epilepsy with Mental Retardation; Early infantile epileptic encephalopathy 9; JUBERG-HELLMAN SYNDROME. Identifiers: Orphanet 101039, Orphanet 2076, MedGen C1848137, MONDO:0010246, OMIM 300088. Disease mechanism: loss of function.

Submissions (2):

Labcorp Genetics (formerly Invitae), Labcorp
Classification: Uncertain significance for Developmental and epileptic encephalopathy, 9. Last evaluated: 2023-08-10. Review status: criteria provided, single submitter. Criteria: Invitae Variant Classification Sherloc (09022015). Collection method: clinical testing. Allele origin: germline.
Comment: This sequence change replaces tyrosine, which is neutral and polar, with cysteine, which is neutral and slightly polar, at codon 275 of the PCDH19 protein (p.Tyr275Cys). This variant is not present in population databases (gnomAD no frequency). This missense change has been observed in individual(s) with non-acquired focal epilepsy (PMID: 28102150). ClinVar contains an entry for this variant (Variation ID: 806009). Advanced modeling of protein sequence and biophysical properties (such as structural, functional, and spatial information, amino acid conservation, physicochemical variation, residue mobility, and thermodynamic stability) performed at Invitae indicates that this missense variant is expected to disrupt PCDH19 protein function. This variant disrupts the p.Tyr275 amino acid residue in PCDH19. Other variant(s) that disrupt this residue have been observed in individuals with PCDH19-related conditions (PMID: 23334464), which suggests that this may be a clinically significant amino acid residue. In summary, the available evidence is currently insufficient to determine the role of this variant in disease. Therefore, it has been classified as a Variant of Uncertain Significance.

Neurogenetics Research Program, University of Adelaide
Classification: Likely pathogenic for Non-lesional parietal lobe epilepsy. Last evaluated: 2019-12-20. Review status: no assertion criteria provided. Collection method: research. Allele origin: unknown. Affected: yes. Not counted in ClinVar's aggregate classification.

Literature cited by the submitters: PubMed 28102150 (cited by Labcorp Genetics (formerly Invitae), Labcorp); PubMed 23334464 (cited by Labcorp Genetics (formerly Invitae), Labcorp).

NM_001184880.2(PCDH19):c.824A>G (p.Tyr275Cys)

Gene: PCDH19 (protocadherin 19; minus strand). Cytogenetic location: Xq22.1.
Variant type: single nucleotide variant.
Coding change: c.824A>G on transcript NM_001184880.2 (MANE Select); coding-DNA position 824, A replaced by G.
Protein change: p.Tyr275Cys; replaces tyrosine 275 with cysteine.
Molecular consequence: missense variant.
Genome position (GRCh38, 1-based): chrX:100,407,774, T>C on the plus strand (A>G on the coding strand, the complement: PCDH19 is on the minus strand). VCF-style: chrX-100407774-T-C. GRCh37 (hg19) VCF-style: chrX-99662772-T-C.
Other names: c.824A>G, p.Tyr275Cys (NM_001105243.2, NM_020766.3); short protein forms Y275C.
Identifiers: ClinVar variation 806009 (VCV000806009.11), dbSNP rs1928426496, ClinGen allele CA414007917.